The following is an entry in ClinVar:

ClinVar aggregate classification (germline): Uncertain significance (1 of 4 stars; one submission).

Conditions:
Vici syndrome (VICIS). Identifiers: Orphanet 1493, MedGen C1855772, MONDO:0009452, OMIM 242840.

Allele frequency attached by ClinVar (database versions not stated): gnomAD 0.00001; gnomAD exomes 0.00002; TOPMed 0.00002; ESP Exome Variant Server 0.00008.
gnomAD v4.1: 39 of 1,614,076 alleles (0.0024%); highest among the groups gnomAD compares: Non-Finnish European, 0.0029%; no homozygotes.

Submission:

Labcorp Genetics (formerly Invitae), Labcorp
Classification: Uncertain significance for Vici syndrome. Last evaluated: 2023-01-05. Review status: criteria provided, single submitter. Criteria: Invitae Variant Classification Sherloc (09022015). Collection method: clinical testing. Allele origin: germline.
Comment: In summary, the available evidence is currently insufficient to determine the role of this variant in disease. Therefore, it has been classified as a Variant of Uncertain Significance. Advanced modeling of protein sequence and biophysical properties (such as structural, functional, and spatial information, amino acid conservation, physicochemical variation, residue mobility, and thermodynamic stability) has been performed at Invitae for this missense variant, however the output from this modeling did not meet the statistical confidence thresholds required to predict the impact of this variant on EPG5 protein function. This variant has not been reported in the literature in individuals affected with EPG5-related conditions. This variant is present in population databases (rs374649165, gnomAD 0.002%). This sequence change replaces threonine, which is neutral and polar, with proline, which is neutral and non-polar, at codon 1357 of the EPG5 protein (p.Thr1357Pro).

NM_020964.3(EPG5):c.4069A>C (p.Thr1357Pro)

Gene: EPG5 (ectopic P-granules 5 autophagy tethering factor; minus strand). Cytogenetic location: 18q21.1.
Variant type: single nucleotide variant.
Coding change: c.4069A>C on transcript NM_020964.3 (MANE Select); coding-DNA position 4069, A replaced by C.
Protein change: p.Thr1357Pro; replaces threonine 1357 with proline.
Molecular consequence: missense variant.
Genome position (GRCh38, 1-based): chr18:45,910,657, T>G on the plus strand (A>C on the coding strand, the complement: EPG5 is on the minus strand). VCF-style: chr18-45910657-T-G. GRCh37 (hg19) VCF-style: chr18-43490622-T-G.
Other names: c.4069A>C, p.Thr1357Pro (NM_001410858.1, NM_001410859.1); short protein forms T1357P.
Identifiers: ClinVar variation 2967286 (VCV002967286.1), dbSNP rs374649165, ClinGen allele CA299760449.
Genomic context (GRCh38, chr18:45,910,657, plus strand): 5'-TGCCCTCTGCTGGAACACGGAGGGCCTTGCTTGCAGCATGGTGGAAGTCAGCCACCTCGG[T>G]CAAACGTCTCTTCATTTCTTTCAACAAATTGATATGAGCAGGACTTTGAAAAAACCTTCT-3'
Protein context (NP_066015.2, residues 1347-1367): NLLKEMKRRL[Thr1357Pro]EVADFHHAAS